The following is an entry in ClinVar:

ClinVar aggregate classification (germline): Uncertain significance (1 of 4 stars; one submission).

Conditions:
Juvenile polyposis syndrome (JPS). Identifiers: Orphanet 2929, MedGen C0345893, MONDO:0017380, OMIM 174900.

Submission:

Labcorp Genetics (formerly Invitae), Labcorp
Classification: Uncertain significance for Juvenile polyposis syndrome. Last evaluated: 2022-11-10. Review status: criteria provided, single submitter. Criteria: Invitae Variant Classification Sherloc (09022015). Collection method: clinical testing. Allele origin: germline.
Comment: This sequence change replaces glutamic acid, which is acidic and polar, with glycine, which is neutral and non-polar, at codon 108 of the SMAD4 protein (p.Glu108Gly). In summary, the available evidence is currently insufficient to determine the role of this variant in disease. Therefore, it has been classified as a Variant of Uncertain Significance. Algorithms developed to predict the effect of missense changes on protein structure and function (SIFT, PolyPhen-2, Align-GVGD) all suggest that this variant is likely to be disruptive. This variant has not been reported in the literature in individuals affected with SMAD4-related conditions. This variant is not present in population databases (gnomAD no frequency).

NM_005359.6(SMAD4):c.323A>G (p.Glu108Gly)

Gene: SMAD4 (SMAD family member 4; plus strand). Cytogenetic location: 18q21.2.
Variant type: single nucleotide variant.
Coding change: c.323A>G on transcript NM_005359.6 (MANE Select); coding-DNA position 323, A replaced by G.
Protein change: p.Glu108Gly; replaces glutamic acid 108 with glycine.
Molecular consequence: missense variant. On other transcripts: non-coding transcript variant (2).
Genome position (GRCh38, 1-based): chr18:51,048,759, A>G. VCF-style: chr18-51048759-A-G. GRCh37 (hg19) VCF-style: chr18-48575129-A-G.
Other names: c.323A>G, p.Glu108Gly (NM_001407041.1, NM_001407042.1, NM_001407043.1); short protein forms E108G.
Identifiers: ClinVar variation 2813548 (VCV002813548.3), dbSNP rs2144405552, ClinGen allele CA402458333.